The following is an entry in ClinVar:

NM_022124.6(CDH23):c.1621G>A (p.Glu541Lys)

Gene: CDH23 (cadherin related 23; plus strand). Cytogenetic location: 10q22.1.
Variant type: single nucleotide variant.
Coding change: c.1621G>A on transcript NM_022124.6 (MANE Select); coding-DNA position 1621, G replaced by A.
Protein change: p.Glu541Lys; replaces glutamic acid 541 with lysine.
Molecular consequence: missense variant.
Genome position (GRCh38, 1-based): chr10:71,677,562, G>A. VCF-style: chr10-71677562-G-A. GRCh37 (hg19) VCF-style: chr10-73437319-G-A.
Other names: c.1621G>A, p.Glu541Lys (NM_001171930.2, NM_001171931.2); short protein forms E541K.
Identifiers: ClinVar variation 252736 (VCV000252736.15), dbSNP rs562019725, ClinGen allele CA5543910.

ClinVar aggregate classification (germline): Uncertain significance. Review status: criteria provided, multiple submitters, no conflicts (2 of 4 stars). 7 submissions from 7 submitters: Uncertain significance (6). 1 of the submissions does not count toward it. Last evaluated 2026-07-01.

Conditions:
CDH23-related disorder. Also called: CDH23-related disorders; CDH23-related condition.
Usher syndrome type 1 (USH1). Also called: RETINITIS PIGMENTOSA AND CONGENITAL DEAFNESS. Identifiers: Orphanet 231169, Orphanet 886, MedGen C1568247, MONDO:0010168, OMIM 276900.

Allele frequency attached by ClinVar (database versions not stated): gnomAD 0.00011; TOPMed 0.00011; gnomAD exomes 0.00013 and 0.00032; 1000 Genomes Project 30x 0.00016; ExAC 0.00017; 1000 Genomes Project 0.00020.
gnomAD v4.1: 480 of 1,611,454 alleles (0.03%); highest among the groups gnomAD compares: Non-Finnish European, 0.039%; no homozygotes.

Submissions (7):

GeneDx
Classification: Uncertain significance. Last evaluated: 2026-07-01. Review status: criteria provided, single submitter. Criteria: GeneDx Variant Classification Process June 2021. Collection method: clinical testing. Allele origin: germline.
Comment: In silico analysis suggests that this missense variant does not alter protein structure/function; This variant is associated with the following publications: (PMID: 35020051, 42086625, 34599366)

PreventionGenetics, part of Exact Sciences
Classification: Uncertain significance for CDH23-related condition. Last evaluated: 2026-04-14. Review status: criteria provided, single submitter. Criteria: ACMG Guidelines, 2015. Collection method: clinical testing. Allele origin: germline.
Comment: The CDH23 c.1621G>A variant is predicted to result in the amino acid substitution p.Glu541Lys. This variant was reported in individuals with hearing loss (Usami et al. 2022. PubMed ID: 35020051; Usami et al. 2021. PubMed ID: 34599366). This variant is reported in 0.021% of alleles in individuals of African descent in gnomAD. At this time, the clinical significance of this variant is uncertain due to the absence of conclusive functional and genetic evidence.

Labcorp Genetics (formerly Invitae), Labcorp
Classification: Uncertain significance. Last evaluated: 2025-01-29. Review status: criteria provided, single submitter. Criteria: Invitae Variant Classification Sherloc (09022015). Collection method: clinical testing. Allele origin: germline.
Comment: This sequence change replaces glutamic acid, which is acidic and polar, with lysine, which is basic and polar, at codon 541 of the CDH23 protein (p.Glu541Lys). This variant is present in population databases (rs562019725, gnomAD 0.02%). This missense change has been observed in individual(s) with deafness (PMID: 35020051). ClinVar contains an entry for this variant (Variation ID: 252736). Invitae Evidence Modeling of protein sequence and biophysical properties (such as structural, functional, and spatial information, amino acid conservation, physicochemical variation, residue mobility, and thermodynamic stability) has been performed for this missense variant. However, the output from this modeling did not meet the statistical confidence thresholds required to predict the impact of this variant on CDH23 protein function. In summary, the available evidence is currently insufficient to determine the role of this variant in disease. Therefore, it has been classified as a Variant of Uncertain Significance.

Blueprint Genetics
Classification: Uncertain significance. Last evaluated: 2024-09-03. Review status: criteria provided, single submitter. Criteria: ACMG Guidelines, 2015. Collection method: clinical testing. Allele origin: germline.

Athena Diagnostics
Classification: Uncertain significance. Last evaluated: 2022-03-31. Review status: criteria provided, single submitter. Criteria: Athena Diagnostics Criteria. Collection method: clinical testing. Allele origin: unknown.

Genomic Diagnostic Laboratory, Division of Genomic Diagnostics, Children's Hospital of Philadelphia
Classification: Uncertain significance. Last evaluated: 2015-10-30. Review status: criteria provided, single submitter. Criteria: DGD Variant Analysis Guidelines. Collection method: clinical testing. Allele origin: unknown.

Natera, Inc.
Classification: Uncertain significance for Usher syndrome type 1. Last evaluated: 2020-02-02. Review status: no assertion criteria provided. Collection method: clinical testing. Allele origin: germline. Not counted in ClinVar's aggregate classification.

Literature cited by the submitters: PubMed 35020051 (cited by Labcorp Genetics (formerly Invitae), Labcorp).